The following is an entry in ClinVar:

NM_030928.4(CDT1):c.1083G>A (p.Gln361=)

Gene: CDT1 (chromatin licensing and DNA replication factor 1; plus strand). Cytogenetic location: 16q24.3.
Variant type: single nucleotide variant.
Coding change: c.1083G>A on transcript NM_030928.4 (MANE Select); coding-DNA position 1083, G replaced by A.
Protein change: p.Gln361=; no amino-acid change (glutamine 361 retained).
Molecular consequence: synonymous variant.
Genome position (GRCh38, 1-based): chr16:88,806,635, G>A. VCF-style: chr16-88806635-G-A. GRCh37 (hg19) VCF-style: chr16-88873043-G-A.
Identifiers: ClinVar variation 2961124 (VCV002961124.3), dbSNP rs778048346, ClinGen allele CA8233971.

ClinVar aggregate classification (germline): Uncertain significance (1 of 4 stars; one submission).

Allele frequency attached by ClinVar (database versions not stated): gnomAD exomes below 0.00001; ExAC 0.00001; gnomAD 0.00001; TOPMed 0.00001.

Submission:

Labcorp Genetics (formerly Invitae), Labcorp
Classification: Uncertain significance. Last evaluated: 2024-10-22. Review status: criteria provided, single submitter. Criteria: Invitae Variant Classification Sherloc (09022015). Collection method: clinical testing. Allele origin: germline.
Comment: This sequence change affects codon 361 of the CDT1 mRNA. It is a 'silent' change, meaning that it does not change the encoded amino acid sequence of the CDT1 protein. The frequency data for this variant in the population databases is considered unreliable, as metrics indicate poor data quality at this position in the gnomAD database. This variant has not been reported in the literature in individuals affected with CDT1-related conditions. Algorithms developed to predict the effect of sequence changes on RNA splicing suggest that this variant may create or strengthen a splice site. In summary, the available evidence is currently insufficient to determine the role of this variant in disease. Therefore, it has been classified as a Variant of Uncertain Significance.